The following is an entry in ClinVar:

NC_000005.10:g.137881974_137881979del

Genes: PKD2L2-DT (PKD2L2 divergent transcript; minus strand), MYOT (myotilin; plus strand). Cytogenetic location: 5q31.2.
Variant type: Deletion.
Genome position: GRCh38 VCF-style: chr5-137881968-TGTAGAA-T. GRCh37 (hg19) VCF-style: chr5-137217657-TGTAGAA-T.
Identifiers: ClinVar variation 2070817 (VCV002070817.2), ClinGen allele CA361054973.

ClinVar aggregate classification (germline): Uncertain significance (1 of 4 stars; one submission).

Conditions:
Myofibrillar myopathy 3 (MFM3). Also called: Autosomal dominant spheroid body myopathy; Muscular dystrophy, proximal, type 1A. Identifiers: Orphanet 266, Orphanet 268129, MedGen C3714934, MONDO:0012215, OMIM 609200.

Submission:

Labcorp Genetics (formerly Invitae), Labcorp
Classification: Uncertain significance for Myofibrillar myopathy 3. Last evaluated: 2022-12-02. Review status: criteria provided, single submitter. Criteria: Invitae Variant Classification Sherloc (09022015). Collection method: clinical testing. Allele origin: germline.
Comment: In summary, the available evidence is currently insufficient to determine the role of this variant in disease. Therefore, it has been classified as a Variant of Uncertain Significance. Algorithms developed to predict the effect of sequence changes on RNA splicing suggest that this variant may disrupt the consensus splice site. Experimental studies and prediction algorithms are not available or were not evaluated, and the functional significance of this variant is currently unknown. This variant has not been reported in the literature in individuals affected with MYOT-related conditions. This variant is present in population databases (no rsID available, gnomAD 0.01%). This variant, c.685_690del, results in the deletion of 2 amino acid(s) of the MYOT protein (p.Arg230_Ser231del), but otherwise preserves the integrity of the reading frame.